The following is an entry in ClinVar:

ClinVar aggregate classification (germline): Uncertain significance (1 of 4 stars; one submission).

Allele frequency attached by ClinVar (database versions not stated): gnomAD exomes below 0.00001.

Submission:

Ambry Genetics
Classification: Uncertain significance. Last evaluated: 2023-11-22. Review status: criteria provided, single submitter. Criteria: Ambry Variant Classification Scheme 2023. Collection method: clinical testing. Allele origin: germline.
Comment: The p.S340N variant (also known as c.1019G>A), located in coding exon 3 of the TERF2IP gene, results from a G to A substitution at nucleotide position 1019. The serine at codon 340 is replaced by asparagine, an amino acid with highly similar properties. This amino acid position is conserved. In addition, this alteration is predicted to be tolerated by in silico analysis. Since supporting evidence is limited at this time, the clinical significance of this alteration remains unclear.

NM_018975.4(TERF2IP):c.1019G>A (p.Ser340Asn)

Gene: TERF2IP (TERF2 interacting protein; plus strand). Cytogenetic location: 16q23.1.
Variant type: single nucleotide variant.
Coding change: c.1019G>A on transcript NM_018975.4 (MANE Select); coding-DNA position 1019, G replaced by A.
Protein change: p.Ser340Asn; replaces serine 340 with asparagine.
Molecular consequence: missense variant. On other transcripts: non-coding transcript variant (1).
Genome position (GRCh38, 1-based): chr16:75,656,430, G>A. VCF-style: chr16-75656430-G-A. GRCh37 (hg19) VCF-style: chr16-75690328-G-A.
Other names: short protein forms S340N.
Identifiers: ClinVar variation 1753268 (VCV001753268.2), dbSNP rs2507089629, ClinGen allele CA396820096.